The following is an entry in ClinVar:

ClinVar aggregate classification (germline): Conflicting classifications of pathogenicity. Review status: criteria provided, conflicting classifications (1 of 4 stars). 4 submissions from 4 submitters: Uncertain significance (2); Likely benign (1). 1 of the submissions does not count toward it. Last evaluated 2026-01-09.

Conditions:
NOTCH2-related disorder. Also called: NOTCH2-related condition.
Inborn genetic diseases. Identifiers: MedGen C0950123, MeSH D030342.
Hajdu-Cheney syndrome (HJCYS). Also called: Acroosteolysis dominant type; SERPENTINE FIBULA-POLYCYSTIC KIDNEY SYNDROME; ACROOSTEOLYSIS WITH OSTEOPOROSIS AND CHANGES IN SKULL AND MANDIBLE. Identifiers: Orphanet 955, MedGen C0917715, MONDO:0007057, OMIM 102500.

Allele frequency attached by ClinVar (database versions not stated): gnomAD 0.00005; TOPMed 0.00005; ExAC 0.00006; gnomAD exomes 0.00007 and 0.00011; ESP Exome Variant Server 0.00008.
gnomAD v4.1: 100 of 1,613,942 alleles (0.0062%); highest among the groups gnomAD compares: Admixed American, 0.045%; no homozygotes.

Submissions (4):

Labcorp Genetics (formerly Invitae), Labcorp
Classification: Likely benign for Hajdu-Cheney syndrome. Last evaluated: 2026-01-09. Review status: criteria provided, single submitter. Criteria: Invitae Variant Classification Sherloc (09022015). Collection method: clinical testing. Allele origin: germline.

Ambry Genetics
Classification: Uncertain significance for Inborn genetic diseases. Last evaluated: 2021-10-26. Review status: criteria provided, single submitter. Criteria: Ambry Variant Classification Scheme 2023. Collection method: clinical testing. Allele origin: germline.

Eurofins Ntd Llc (ga)
Classification: Uncertain significance. Last evaluated: 2018-04-30. Review status: criteria provided, single submitter. Criteria: EGL ClinVar v180209 classification definitions. Collection method: clinical testing. Allele origin: germline. Observed: 1 variant allele, 1 heterozygote.

PreventionGenetics, part of Exact Sciences
Classification: Likely benign for NOTCH2-related condition. Last evaluated: 2024-07-26. Review status: no assertion criteria provided. Collection method: clinical testing. Allele origin: germline. Not counted in ClinVar's aggregate classification.
Comment: This variant is classified as likely benign based on ACMG/AMP sequence variant interpretation guidelines (Richards et al. 2015 PMID: 25741868, with internal and published modifications).

NM_024408.4(NOTCH2):c.6140G>A (p.Arg2047Gln)

Gene: NOTCH2 (notch receptor 2; minus strand). Cytogenetic location: 1p12.
Variant type: single nucleotide variant.
Coding change: c.6140G>A on transcript NM_024408.4 (MANE Select); coding-DNA position 6140, G replaced by A.
Protein change: p.Arg2047Gln; replaces arginine 2047 with glutamine.
Molecular consequence: missense variant.
Genome position (GRCh38, 1-based): chr1:119,916,582, C>T on the plus strand (G>A on the coding strand, the complement: NOTCH2 is on the minus strand). VCF-style: chr1-119916582-C-T. GRCh37 (hg19) VCF-style: chr1-120459205-C-T.
Other names: c.6140G>A (NM_024408.3); short protein forms R2047Q.
Identifiers: ClinVar variation 597065 (VCV000597065.15), dbSNP rs371060516, ClinGen allele CA1039482.